The following is an entry in ClinVar:

ClinVar aggregate classification (germline): Uncertain significance (1 of 4 stars; one submission).

Conditions:
Hermansky-Pudlak syndrome 2 (HPS2). Also called: Platelet defects and oculocutaneous albinism. Identifiers: Orphanet 183678, Orphanet 79430, MedGen C1842362, MONDO:0011997, OMIM 608233.

Allele frequency attached by ClinVar (database versions not stated): gnomAD exomes below 0.00001 and 0.00001; gnomAD 0.00001.
gnomAD v4.1: 11 of 1,614,220 alleles (0.00068%); highest among the groups gnomAD compares: African/African-American, 0.004%; no homozygotes.

Submission:

Labcorp Genetics (formerly Invitae), Labcorp
Classification: Uncertain significance for Hermansky-Pudlak syndrome 2. Last evaluated: 2025-09-24. Review status: criteria provided, single submitter. Criteria: Invitae Variant Classification Sherloc (09022015). Collection method: clinical testing. Allele origin: germline.
Comment: This sequence change replaces asparagine, which is neutral and polar, with serine, which is neutral and polar, at codon 9 of the AP3B1 protein (p.Asn9Ser). This variant is present in population databases (no rsID available, gnomAD 0.0009%). This variant has not been reported in the literature in individuals affected with AP3B1-related conditions. ClinVar contains an entry for this variant (Variation ID: 1044685). An algorithm developed to predict the effect of missense changes on protein structure and function outputs the following: PolyPhen-2: "Benign". The serine amino acid residue is found in multiple mammalian species, which suggests that this missense change does not adversely affect protein function. In summary, the available evidence is currently insufficient to determine the role of this variant in disease. Therefore, it has been classified as a Variant of Uncertain Significance.

NM_003664.5(AP3B1):c.26A>G (p.Asn9Ser)

Gene: AP3B1 (adaptor related protein complex 3 subunit beta 1; minus strand). Cytogenetic location: 5q14.1.
Variant type: single nucleotide variant.
Coding change: c.26A>G on transcript NM_003664.5 (MANE Select); coding-DNA position 26, A replaced by G.
Protein change: p.Asn9Ser; replaces asparagine 9 with serine.
Molecular consequence: missense variant. On other transcripts: 5 prime UTR variant (1).
Genome position (GRCh38, 1-based): chr5:78,294,554, T>C on the plus strand (A>G on the coding strand, the complement: AP3B1 is on the minus strand). VCF-style: chr5-78294554-T-C. GRCh37 (hg19) VCF-style: chr5-77590378-T-C.
Other names: c.-134A>G (NM_001271769.2); short protein forms N9S.
Identifiers: ClinVar variation 1044685 (VCV001044685.7), dbSNP rs868369063, ClinGen allele CA121623964.